The following is an entry in ClinVar:

NM_001145809.2(MYH14):c.3028A>G (p.Ile1010Val)

Gene: MYH14 (myosin heavy chain 14; plus strand). Cytogenetic location: 19q13.33.
Variant type: single nucleotide variant.
Coding change: c.3028A>G on transcript NM_001145809.2 (MANE Select); coding-DNA position 3028, A replaced by G.
Protein change: p.Ile1010Val; replaces isoleucine 1010 with valine.
Molecular consequence: missense variant.
Genome position (GRCh38, 1-based): chr19:50,268,362, A>G. VCF-style: chr19-50268362-A-G. GRCh37 (hg19) VCF-style: chr19-50771619-A-G.
Other names: c.2929A>G, p.Ile977Val (NM_001077186.2); c.2905A>G, p.Ile969Val (NM_024729.4); short protein forms I1010V, I969V, I977V.
Identifiers: ClinVar variation 4883630 (VCV004883630.3).

ClinVar aggregate classification (germline): Uncertain significance. Review status: criteria provided, multiple submitters, no conflicts (2 of 4 stars). 2 submissions from 2 submitters: Uncertain significance (2). Last evaluated 2026-08-06.

Conditions:
Autosomal dominant nonsyndromic hearing loss 4A. Also called: Deafness, autosomal dominant 4A. Identifiers: Orphanet 90635, MedGen C1833503, MONDO:0010915, OMIM 600652.

Submissions (2):

OLLIN Analises Genomicas, OLLIN
Classification: Uncertain significance for Autosomal dominant nonsyndromic hearing loss 4A. Last evaluated: 2026-08-06. Review status: criteria provided, single submitter. Criteria: ACMG Guidelines 2015 PMID 25741868. Collection method: clinical testing. Allele origin: germline.
Comment: This missense variant, located in exon 24 (of 43), has been observed in gnomAD with an allele frequency of 0.00019%, but has not been reported in ClinVar or identified in the literature. In silico analysis predicts that this variant has a tolerated effect. According to the currently available evidence, this variant has been classified as uncertain significance (PM2_P, BP4_M).

Dasa
Classification: Uncertain significance. Last evaluated: 2025-04-28. Review status: criteria provided, single submitter. Criteria: DASA Assertion Criteria. Collection method: clinical testing. Allele origin: germline.
Comment: NM_001145809.2(MYH14):c.3028A>G (p.Ile1010Val) is a missense variant that results in the substitution of isoleucine with valine. This variant is rare in population databases. Computational prediction algorithms are consistent with a benign effect. The currently available literature and clinical evidence are not sufficient to establish a definitive association between this variant and the reported condition. Therefore, this variant is classified as a variant of uncertain significance.